The following is an entry in ClinVar:

NM_014804.3(KIAA0753):c.2648A>C (p.Lys883Thr)

Gene: KIAA0753 (KIAA0753; minus strand). Cytogenetic location: 17p13.1.
Variant type: single nucleotide variant.
Coding change: c.2648A>C on transcript NM_014804.3 (MANE Select); coding-DNA position 2648, A replaced by C.
Protein change: p.Lys883Thr; replaces lysine 883 with threonine.
Molecular consequence: missense variant. On other transcripts: non-coding transcript variant (3).
Genome position (GRCh38, 1-based): chr17:6,589,917, T>G on the plus strand (A>C on the coding strand, the complement: KIAA0753 is on the minus strand). VCF-style: chr17-6589917-T-G. GRCh37 (hg19) VCF-style: chr17-6493237-T-G.
Other names: c.1751A>C, p.Lys584Thr (NM_001351225.2); c.2648A>C (NM_014804.2); short protein forms K584T, K883T.
Identifiers: ClinVar variation 1487901 (VCV001487901.5), dbSNP rs200387425, ClinGen allele CA8330089.
Genomic context (GRCh38, chr17:6,589,917, plus strand): 5'-CAGTAGTCACCGATGCTGTGCTGCATACCCGGTGGGACAAAGAGGGGAGCTCGGCCTTCT[T>G]TCTGTTGAGAATCTTCGGCTAGGGAGAGAAGAGGGGCCTCTCTTTTCTCTGATCCTTCCT-3'
Protein context (NP_055619.2, residues 873-893): LLSLAEDSQQ[Lys883Thr]EGRAPLFVPP

ClinVar aggregate classification (germline): Uncertain significance. Review status: criteria provided, multiple submitters, no conflicts (2 of 4 stars). 3 submissions from 3 submitters: Uncertain significance (3). Last evaluated 2024-11-25.

Conditions:
Inborn genetic diseases. Identifiers: MedGen C0950123, MeSH D030342.

Allele frequency attached by ClinVar (database versions not stated): gnomAD exomes 0.00004 and 0.00006; gnomAD 0.00005; ExAC 0.00012.
gnomAD v4.1: 64 of 1,613,118 alleles (0.004%); highest among the groups gnomAD compares: Non-Finnish European, 0.005%; no homozygotes.

Submissions (3):

Blueprint Genetics
Classification: Uncertain significance. Last evaluated: 2024-11-25. Review status: criteria provided, single submitter. Criteria: ACMG Guidelines, 2015. Collection method: clinical testing. Allele origin: germline.

Ambry Genetics
Classification: Uncertain significance for Inborn genetic diseases. Last evaluated: 2023-02-13. Review status: criteria provided, single submitter. Criteria: Ambry Variant Classification Scheme 2023. Collection method: clinical testing. Allele origin: germline.

Labcorp Genetics (formerly Invitae), Labcorp
Classification: Uncertain significance. Last evaluated: 2022-10-05. Review status: criteria provided, single submitter. Criteria: Invitae Variant Classification Sherloc (09022015). Collection method: clinical testing. Allele origin: germline.
Comment: This sequence change replaces lysine, which is basic and polar, with threonine, which is neutral and polar, at codon 883 of the KIAA0753 protein (p.Lys883Thr). This variant is present in population databases (rs200387425, gnomAD 0.02%). This variant has not been reported in the literature in individuals affected with KIAA0753-related conditions. ClinVar contains an entry for this variant (Variation ID: 1487901). Algorithms developed to predict the effect of missense changes on protein structure and function output the following: SIFT: "Tolerated"; PolyPhen-2: "Benign"; Align-GVGD: "Class C0". The threonine amino acid residue is found in multiple mammalian species, which suggests that this missense change does not adversely affect protein function. In summary, the available evidence is currently insufficient to determine the role of this variant in disease. Therefore, it has been classified as a Variant of Uncertain Significance.